The following is an entry in ClinVar:

NM_144992.5(VWA3B):c.879C>T (p.His293=)

Genes: VWA3B (von Willebrand factor A domain containing 3B; plus strand), LOC126806278 (P300/CBP strongly-dependent group 1 enhancer GRCh37_chr2:98750133-98751332; plus strand). Cytogenetic location: 2q11.2.
Variant type: single nucleotide variant.
Coding change: c.879C>T on transcript NM_144992.5 (MANE Select); coding-DNA position 879, C replaced by T.
Protein change: p.His293=; no amino-acid change (histidine 293 retained).
Molecular consequence: synonymous variant. On other transcripts: non-coding transcript variant (2).
Genome position (GRCh38, 1-based): chr2:98,133,830, C>T. VCF-style: chr2-98133830-C-T. GRCh37 (hg19) VCF-style: chr2-98750293-C-T.
Identifiers: ClinVar variation 3042295 (VCV003042295.2), dbSNP rs542115544, ClinGen allele CA1792345.
Genomic context (GRCh38, chr2:98,133,830, plus strand): 5'-CATGCACGGACACCTGCGTACTGCCTTCCTAATGAGCATCTCTTCACGTTTCAGATTCCA[C>T]GCATTTGCCGAGAGAACAGAGTGTGTAGAATTTCCTGCATTCTCCACAAAGGATGGTGAC-3'
Protein context (NP_659429.4, residues 283-303): DLSAKTHSRF[His293=]AFAERTECVE

ClinVar aggregate classification (germline): Likely benign (0 of 4 stars; one submission).

Conditions:
VWA3B-related disorder. Also called: VWA3B-related condition.

Allele frequency attached by ClinVar (database versions not stated): TOPMed 0.00004; gnomAD 0.00005; ExAC 0.00023; 1000 Genomes Project 0.00040; 1000 Genomes Project 30x 0.00047.
gnomAD v4.1: 168 of 1,613,968 alleles (0.01%); highest among the groups gnomAD compares: South Asian, 0.16%; no homozygotes.

Submission:

PreventionGenetics, part of Exact Sciences
Classification: Likely benign for VWA3B-related condition. Last evaluated: 2019-05-10. Review status: no assertion criteria provided. Collection method: clinical testing. Allele origin: germline.
Comment: This variant is classified as likely benign based on ACMG/AMP sequence variant interpretation guidelines (Richards et al. 2015 PMID: 25741868, with internal and published modifications).